The following is an entry in ClinVar:

ClinVar aggregate classification (germline): Uncertain significance (1 of 4 stars; one submission).

Submission:

Ambry Genetics
Classification: Uncertain significance. Last evaluated: 2024-07-24. Review status: criteria provided, single submitter. Criteria: Ambry Variant Classification Scheme 2023. Collection method: clinical testing. Allele origin: germline.
Comment: The p.H2123R variant (also known as c.6368A>G), located in coding exon 20 of the POLQ gene, results from an A to G substitution at nucleotide position 6368. The histidine at codon 2123 is replaced by arginine, an amino acid with highly similar properties. This amino acid position is conserved. In addition, this alteration is predicted to be tolerated by in silico analysis. Based on the available evidence, the clinical significance of this variant remains unclear.

NM_199420.4(POLQ):c.6368A>G (p.His2123Arg)

Gene: POLQ (DNA polymerase theta; minus strand). Cytogenetic location: 3q13.33.
Variant type: single nucleotide variant.
Coding change: c.6368A>G on transcript NM_199420.4 (MANE Select); coding-DNA position 6368, A replaced by G.
Protein change: p.His2123Arg; replaces histidine 2123 with arginine.
Molecular consequence: missense variant.
Genome position (GRCh38, 1-based): chr3:121,476,577, T>C on the plus strand (A>G on the coding strand, the complement: POLQ is on the minus strand). VCF-style: chr3-121476577-T-C. GRCh37 (hg19) VCF-style: chr3-121195424-T-C.
Other names: short protein forms H2123R.
Identifiers: ClinVar variation 3422468 (VCV003422468.1).